The following is an entry in ClinVar:

NM_172362.3(KCNH1):c.2488G>A (p.Asp830Asn)

Gene: KCNH1 (potassium voltage-gated channel subfamily H member 1; minus strand). Cytogenetic location: 1q32.2.
Variant type: single nucleotide variant.
Coding change: c.2488G>A on transcript NM_172362.3 (MANE Select); coding-DNA position 2488, G replaced by A.
Protein change: p.Asp830Asn; replaces aspartic acid 830 with asparagine.
Molecular consequence: missense variant.
Genome position (GRCh38, 1-based): chr1:210,683,763, C>T on the plus strand (G>A on the coding strand, the complement: KCNH1 is on the minus strand). VCF-style: chr1-210683763-C-T. GRCh37 (hg19) VCF-style: chr1-210857105-C-T.
Other names: c.2407G>A, p.Asp803Asn (NM_002238.4); c.2488G>A (NM_172362.2); short protein forms D803N, D830N.
Identifiers: ClinVar variation 1376399 (VCV001376399.10), dbSNP rs372532077, ClinGen allele CA37111555.

ClinVar aggregate classification (germline): Conflicting classifications of pathogenicity. Review status: criteria provided, conflicting classifications (1 of 4 stars). 3 submissions from 3 submitters: Uncertain significance (1); Benign (1). 1 of the submissions does not count toward it. Last evaluated 2025-08-15.

Conditions:
Inborn genetic diseases. Identifiers: MedGen C0950123, MeSH D030342.
KCNH1-related disorder. Also called: KCNH1-related disorders; KCNH1-related condition.

Allele frequency attached by ClinVar (database versions not stated): gnomAD exomes 0.00001; gnomAD 0.00003; TOPMed 0.00006; ESP Exome Variant Server 0.00008.
gnomAD v4.1: 23 of 1,613,826 alleles (0.0014%); highest among the groups gnomAD compares: African/African-American, 0.004%; no homozygotes.

Submissions (3):

Labcorp Genetics (formerly Invitae), Labcorp
Classification: Benign. Last evaluated: 2025-08-15. Review status: criteria provided, single submitter. Criteria: Invitae Variant Classification Sherloc (09022015). Collection method: clinical testing. Allele origin: germline.

Ambry Genetics
Classification: Uncertain significance for Inborn genetic diseases. Last evaluated: 2025-01-21. Review status: criteria provided, single submitter. Criteria: Ambry Variant Classification Scheme 2023. Collection method: clinical testing. Allele origin: germline.

PreventionGenetics, part of Exact Sciences
Classification: Uncertain significance for KCNH1-related condition. Last evaluated: 2024-04-04. Review status: no assertion criteria provided. Collection method: clinical testing. Allele origin: germline. Not counted in ClinVar's aggregate classification.
Comment: The KCNH1 c.2488G>A variant is predicted to result in the amino acid substitution p.Asp830Asn. To our knowledge, this variant has not been reported in the literature. This variant is reported in 0.00088% of alleles in individuals of European (Non-Finnish) descent in gnomAD. At this time, the clinical significance of this variant is uncertain due to the absence of conclusive functional and genetic evidence.